The following is an entry in ClinVar:

NM_000091.5(COL4A3):c.3724G>A (p.Gly1242Ser)

Genes: COL4A3 (collagen type IV alpha 3 chain; plus strand), MFF-DT (MFF divergent transcript; minus strand). Cytogenetic location: 2q36.3.
Variant type: single nucleotide variant.
Coding change: c.3724G>A on transcript NM_000091.5 (MANE Select); coding-DNA position 3724, G replaced by A.
Protein change: p.Gly1242Ser; replaces glycine 1242 with serine.
Molecular consequence: missense variant.
Genome position (GRCh38, 1-based): chr2:227,297,832, G>A. VCF-style: chr2-227297832-G-A. GRCh37 (hg19) VCF-style: chr2-228162548-G-A.
Other names: short protein forms G1242S.
Identifiers: ClinVar variation 4871723 (VCV004871723.1).

ClinVar aggregate classification (germline): Likely pathogenic (1 of 4 stars; one submission).

Conditions:
Hematuria. Identifiers: MedGen C0018965, HP:0000790.

Submission:

Genetics Laboratory, Great Ormond Street Hospital NHS Foundation Trust, North Thames Genomic Laboratory Hub
Classification: Likely pathogenic for Haematuria. Last evaluated: 2026-05-20. Review status: criteria provided, single submitter. Criteria: ACGS Best Practice Guidelines for Variant Classification in Rare Disease 2024 v1.2. Collection method: clinical testing. Allele origin: germline. Affected: yes.
Comment: PM2_moderate, PP3_supporting, PM5_moderate, PM1_strong